The following is an entry in ClinVar:

ClinVar aggregate classification (germline): Uncertain significance (1 of 4 stars; one submission).

Submission:

CeGaT Center for Human Genetics Tuebingen
Classification: Uncertain significance. Last evaluated: 2026-08-01. Review status: criteria provided, single submitter. Criteria: CeGaT Center For Human Genetics Tuebingen Variant Classification Criteria Version 2. Collection method: clinical testing. Allele origin: germline. Affected: yes. Observed: 1 variant allele.
Comment: PPP2R1A: PM2, PP2

NM_014225.6(PPP2R1A):c.957G>C (p.Glu319Asp)

Gene: PPP2R1A (protein phosphatase 2 scaffold subunit Aalpha; plus strand). Cytogenetic location: 19q13.41.
Variant type: single nucleotide variant.
Coding change: c.957G>C on transcript NM_014225.6 (MANE Select); coding-DNA position 957, G replaced by C.
Protein change: p.Glu319Asp; replaces glutamic acid 319 with aspartic acid.
Molecular consequence: missense variant. On other transcripts: non-coding transcript variant (1).
Genome position (GRCh38, 1-based): chr19:52,216,038, G>C. VCF-style: chr19-52216038-G-C. GRCh37 (hg19) VCF-style: chr19-52719291-G-C.
Other names: c.420G>C, p.Glu140Asp (NM_001363656.2); short protein forms E140D, E319D.
Identifiers: ClinVar variation 5040679 (VCV005040679.1).
Genomic context (GRCh38, chr19:52,216,038, plus strand): 5'-CTTTGCCTCCCTCTCCCTGCCCACAGAGTTCTGTGAAAACCTCTCAGCTGACTGTCGGGA[G>C]AATGTGATCATGTCCCAGATCTTGCCCTGCATCAAGGTAACAGAGAGTTTGATGGGAGGA-3'
Protein context (NP_055040.2, residues 309-329): FCENLSADCR[Glu319Asp]NVIMSQILPC